The following is an entry in ClinVar:

ClinVar aggregate classification (germline): Pathogenic/Likely pathogenic. Review status: criteria provided, multiple submitters, no conflicts (2 of 4 stars). 5 submissions from 5 submitters: Pathogenic (4); Likely pathogenic (1). Last evaluated 2026-01-27.

Conditions:
Familial adenomatous polyposis 1 (FAP1). Also called: FAMILIAL ADENOMATOUS POLYPOSIS 1, ATTENUATED; POLYPOSIS, ADENOMATOUS INTESTINAL. Identifiers: MedGen C2713442, MONDO:0021056, OMIM 175100. Disease mechanism: loss of function.
Hereditary cancer-predisposing syndrome. Also called: Tumor predisposition; Neoplastic Syndromes, Hereditary; Hereditary Cancer Syndrome; Hereditary neoplastic syndrome. Identifiers: Orphanet 140162, MedGen C0027672, MeSH D009386, MONDO:0015356.

Submissions (5):

Labcorp Genetics (formerly Invitae), Labcorp
Classification: Pathogenic for Familial adenomatous polyposis 1. Last evaluated: 2026-01-27. Review status: criteria provided, single submitter. Criteria: Invitae Variant Classification Sherloc (09022015). Collection method: clinical testing. Allele origin: germline.
Comment: This sequence change affects a donor splice site in intron 5 of the APC gene. RNA analysis indicates that disruption of this splice site induces altered splicing and may result in an absent or altered protein product. This variant is not present in population databases (gnomAD no frequency). Disruption of this splice site has been observed in individual(s) with familial adenomatous polyposis (PMID: 12010888, 15459959). This variant is also known as Ex 4 SD+1 G→A. ClinVar contains an entry for this variant (Variation ID: 860187). Studies have shown that disruption of this splice site results in exon skipping, and produces a non-functional protein and/or introduces a premature termination codon (PMID: 15459959). For these reasons, this variant has been classified as Pathogenic.

Dasa
Classification: Pathogenic. Last evaluated: 2026-01-12. Review status: criteria provided, single submitter. Criteria: DASA Assertion Criteria. Collection method: clinical testing. Allele origin: germline.
Comment: NM_000038.6(APC):c.531+1G>A alters a canonical splice donor site and is expected to disrupt normal splicing, leading to loss of normal protein function. Loss-of-function is an established mechanism of disease for this gene. The variant has been reported in individuals with APC-related disease. Based on the available data, this variant is classified as pathogenic.

Ambry Genetics
Classification: Pathogenic for Hereditary cancer-predisposing syndrome. Last evaluated: 2023-08-03. Review status: criteria provided, single submitter. Criteria: Ambry Variant Classification Scheme 2023. Collection method: clinical testing. Allele origin: germline.
Comment: The c.531+1G>A intronic pathogenic mutation results from a G to A substitution one nucleotide after coding exon 4 of the APC gene. This alteration has been observed in at least one individual with a personal and/or family history that is consistent with APC-related disease (Ambry internal data). This nucleotide position is highly conserved in available vertebrate species. In silico splice site analysis predicts that this alteration will weaken the native splice donor site. Another alteration impacting the same donor site (c.531+1G>C) has been shown to result in exon skipping which results in a premature termination codon and has also been detected in affected individuals (Ambry internal data). Alterations that disrupt the canonical splice site are expected to cause aberrant splicing, resulting in an abnormal protein or a transcript that is subject to nonsense-mediated mRNA decay. Based on the supporting evidence, this alteration is interpreted as a disease-causing mutation.

Myriad Genetics, Inc.
Classification: Pathogenic for Familial adenomatous polyposis 1. Last evaluated: 2023-04-27. Review status: criteria provided, single submitter. Criteria: Myriad Autosomal Dominant, Autosomal Recessive and X-Linked Classification Criteria (2023). Collection method: clinical testing. Allele origin: unknown.
Comment: This variant is considered pathogenic. This variant occurs within a consensus splice junction and is predicted to result in abnormal mRNA splicing of either an out-of-frame exon or an in-frame exon necessary for protein stability and/or normal function. mRNA analysis has demonstrated abnormal mRNA splicing occurs [PMID: 12010888].

Department of Molecular Diagnostics, Institute of Oncology Ljubljana
Classification: Likely pathogenic for Familial adenomatous polyposis 1. Last evaluated: 2020-04-02. Review status: criteria provided, single submitter. Criteria: ACMG Guidelines, 2015. Collection method: clinical testing. Allele origin: germline. Affected: yes.

Literature cited by the submitters: PubMed 12010888 (cited by Labcorp Genetics (formerly Invitae), Labcorp and Myriad Genetics, Inc.); PubMed 15459959 (cited by Labcorp Genetics (formerly Invitae), Labcorp).

NM_000038.6(APC):c.531+1G>A

Gene: APC (APC regulator of Wnt signaling pathway; plus strand). Cytogenetic location: 5q22.2.
Variant type: single nucleotide variant.
Coding change: c.531+1G>A on transcript NM_000038.6 (MANE Select); the canonical splice donor site of the intron after coding-DNA position 531, G replaced by A.
Molecular consequence: splice donor variant.
Genome position (GRCh38, 1-based): chr5:112,775,738, G>A. VCF-style: chr5-112775738-G-A. GRCh37 (hg19) VCF-style: chr5-112111435-G-A.
Other names: c.-505+1G>A (NM_001407470.1, NM_001407472.1, NM_001354906.2 and 1 more transcripts); c.531+1G>A (NM_001407447.1, NM_001354895.2, NM_001407456.1 and 16 more transcripts); c.561+1G>A (NM_001407446.1, NM_001354897.2, NM_001354902.2 and 1 more transcripts); c.354+1G>A (NM_001407453.1, NM_001354900.2, NM_001354901.2 and 1 more transcripts); c.456+1G>A (NM_001407451.1, NM_001354898.2, NM_001354904.2).
Identifiers: ClinVar variation 860187 (VCV000860187.12), dbSNP rs876659973, ClinGen allele CA360617487.